The following is an entry in ClinVar:

NM_001148.6(ANK2):c.10348A>G (p.Thr3450Ala)

Gene: ANK2 (ankyrin 2; plus strand). Cytogenetic location: 4q26.
Variant type: single nucleotide variant.
Coding change: c.10348A>G on transcript NM_001148.6 (MANE Select); coding-DNA position 10348, A replaced by G.
Protein change: p.Thr3450Ala; replaces threonine 3450 with alanine.
Molecular consequence: missense variant. On other transcripts: intron variant (68).
Genome position (GRCh38, 1-based): chr4:113,358,966, A>G. VCF-style: chr4-113358966-A-G. GRCh37 (hg19) VCF-style: chr4-114280122-A-G.
Other names: c.10114A>G, p.Thr3372Ala (NM_001386142.1); c.6748A>G, p.Thr2250Ala (NM_001386166.1); c.10489A>G, p.Thr3497Ala (NM_001386174.1); c.10465A>G, p.Thr3489Ala (NM_001386175.1); c.4412-1857A>G (NM_001386186.2, NM_001386148.2); c.4214-1857A>G (NM_001354269.3); c.4292-1857A>G (NM_001386187.2); c.4253-1857A>G (NM_001386147.1); and 35 more; short protein forms T3450A, T2250A, T3372A, T3489A, T3497A.
Identifiers: ClinVar variation 939469 (VCV000939469.6), dbSNP rs2096014347, ClinGen allele CA357940217.

ClinVar aggregate classification (germline): Uncertain significance (1 of 4 stars; one submission).

Conditions:
Long QT syndrome (LQTS). Identifiers: MedGen C0023976, MeSH D008133, MONDO:0002442. Disease mechanism: loss of function. Inheritance: Various modes of inheritance.

Allele frequency attached by ClinVar (database versions not stated): gnomAD exomes below 0.00001.
gnomAD v4.1: 1 of 1,614,094 alleles (0.000062%); highest among the groups gnomAD compares: African/African-American, 0.0013%; no homozygotes.

Submission:

Labcorp Genetics (formerly Invitae), Labcorp
Classification: Uncertain significance for Long QT syndrome. Last evaluated: 2024-06-19. Review status: criteria provided, single submitter. Criteria: Invitae Variant Classification Sherloc (09022015). Collection method: clinical testing. Allele origin: germline.
Comment: This sequence change replaces threonine, which is neutral and polar, with alanine, which is neutral and non-polar, at codon 3450 of the ANK2 protein (p.Thr3450Ala). This variant is not present in population databases (gnomAD no frequency). This variant has not been reported in the literature in individuals affected with ANK2-related conditions. ClinVar contains an entry for this variant (Variation ID: 939469). Algorithms developed to predict the effect of missense changes on protein structure and function output the following: SIFT: "Not Available"; PolyPhen-2: "Benign"; Align-GVGD: "Not Available". The alanine amino acid residue is found in multiple mammalian species, which suggests that this missense change does not adversely affect protein function. In summary, the available evidence is currently insufficient to determine the role of this variant in disease. Therefore, it has been classified as a Variant of Uncertain Significance.